The following is an entry in ClinVar:

NM_001164277.2(SLC37A4):c.382-1G>C

Gene: SLC37A4 (solute carrier family 37 member 4; minus strand). Cytogenetic location: 11q23.3.
Variant type: single nucleotide variant.
Coding change: c.382-1G>C on transcript NM_001164277.2 (MANE Select); the canonical splice acceptor site of the intron before coding-DNA position 382, G replaced by C.
Molecular consequence: splice acceptor variant.
Genome position (GRCh38, 1-based): chr11:119,027,873, C>G on the plus strand (G>C on the coding strand, the complement: SLC37A4 is on the minus strand). VCF-style: chr11-119027873-C-G. GRCh37 (hg19) VCF-style: chr11-118898583-C-G.
Other names: c.163-1G>C (NM_001164279.2); c.382-1G>C (NM_001467.6, NM_001164278.2, NM_001164280.2).
Identifiers: ClinVar variation 5004339 (VCV005004339.1).

ClinVar aggregate classification (germline): Pathogenic (1 of 4 stars; one submission).

Conditions:
Glycogen storage disease, type I. Identifiers: Orphanet 364, MedGen C0017920, MONDO:0002413.

Submission:

Myriad Genetics, Inc.
Classification: Pathogenic for Glycogen storage disease, type I. Last evaluated: 2025-12-17. Review status: criteria provided, single submitter. Criteria: Myriad Autosomal Dominant, Autosomal Recessive and X-Linked Classification Criteria (2023). Collection method: clinical testing. Allele origin: unknown.
Comment: NM_001164277.1(SLC37A4):c.382-1G>C is a variant in a canonical splice site classified as pathogenic in the context of glycogen storage disease type Ib. c.382-1G>C has not been observed in cases with relevant disease. Relevant functional assessments of this variant are not available in the literature. c.382-1G>C has not been observed in referenced population frequency databases. In summary, NM_001164277.1(SLC37A4):c.382-1G>C is a variant in a canonical splice site in a gene where loss of function is a known mechanism of disease and is predicted to disrupt protein function. Please note: this variant was assessed in the context of healthy population screening.